The following is an entry in ClinVar:

NM_030957.4(ADAMTS10):c.2845G>A (p.Ala949Thr)

Gene: ADAMTS10 (ADAM metallopeptidase with thrombospondin type 1 motif 10; minus strand). Cytogenetic location: 19p13.2.
Variant type: single nucleotide variant.
Coding change: c.2845G>A on transcript NM_030957.4 (MANE Select); coding-DNA position 2845, G replaced by A.
Protein change: p.Ala949Thr; replaces alanine 949 with threonine.
Molecular consequence: missense variant.
Genome position (GRCh38, 1-based): chr19:8,585,476, C>T on the plus strand (G>A on the coding strand, the complement: ADAMTS10 is on the minus strand). VCF-style: chr19-8585476-C-T. GRCh37 (hg19) VCF-style: chr19-8650360-C-T.
Other names: c.1306G>A, p.Ala436Thr (NM_001282352.2); short protein forms A949T, A436T.
Identifiers: ClinVar variation 730428 (VCV000730428.13), dbSNP rs202158691, ClinGen allele CA9160006.

ClinVar aggregate classification (germline): Conflicting classifications of pathogenicity. Review status: criteria provided, conflicting classifications (1 of 4 stars). 3 submissions from 3 submitters: Uncertain significance (1); Likely benign (2). Last evaluated 2026-01-11.

Conditions:
Weill-Marchesani syndrome 1 (WMS1). Also called: Weill-Marchesani Syndrome, Autosomal Recessive; ADAMTS10-Related Weill-Marchesani Syndrome; Weill-Marchesani syndrome 1, recessive. Identifiers: Orphanet 3449, MedGen C4552002, MONDO:0010194, OMIM 277600.
ADAMTS10-related disorder. Also called: ADAMTS10-related condition.

Allele frequency attached by ClinVar (database versions not stated): gnomAD exomes 0.00009 and 0.00020; ExAC 0.00016; ESP Exome Variant Server 0.00073; gnomAD 0.00100 and 0.00109; TOPMed 0.00113; 1000 Genomes Project 0.00140; 1000 Genomes Project 30x 0.00187.
gnomAD v4.1: 281 of 1,536,686 alleles (0.018%); highest among the groups gnomAD compares: African/African-American, 0.35%; no homozygotes.

Submissions (3):

Labcorp Genetics (formerly Invitae), Labcorp
Classification: Likely benign. Last evaluated: 2026-01-11. Review status: criteria provided, single submitter. Criteria: Invitae Variant Classification Sherloc (09022015). Collection method: clinical testing. Allele origin: germline.

PreventionGenetics, part of Exact Sciences
Classification: Likely benign for ADAMTS10-related condition. Last evaluated: 2025-08-04. Review status: criteria provided, single submitter. Criteria: ACMG Guidelines, 2015. Collection method: clinical testing. Allele origin: germline.
Comment: This variant is classified as likely benign based on ACMG/AMP sequence variant interpretation guidelines (Richards et al. 2015 PMID: 25741868, with internal and published modifications).

Fulgent Genetics
Classification: Uncertain significance for Weill-Marchesani syndrome 1. Last evaluated: 2024-01-27. Review status: criteria provided, single submitter. Criteria: ACMG Guidelines, 2015. Collection method: clinical testing. Allele origin: germline.